The following is an entry in ClinVar:

ClinVar aggregate classification (germline): Uncertain significance (1 of 4 stars; one submission).

Conditions:
Leber congenital amaurosis 13 (LCA13). Identifiers: MedGen C2675186, MONDO:0012990, OMIM 612712.

Submission:

Labcorp Genetics (formerly Invitae), Labcorp
Classification: Uncertain significance for Leber congenital amaurosis 13. Last evaluated: 2024-12-02. Review status: criteria provided, single submitter. Criteria: Invitae Variant Classification Sherloc (09022015). Collection method: clinical testing. Allele origin: germline.
Comment: This sequence change falls in intron 7 of the RDH12 gene. It does not directly change the encoded amino acid sequence of the RDH12 protein. It affects a nucleotide within the consensus splice site. This variant is not present in population databases (gnomAD no frequency). This variant has not been reported in the literature in individuals affected with RDH12-related conditions. ClinVar contains an entry for this variant (Variation ID: 2157633). Variants that disrupt the consensus splice site are a relatively common cause of aberrant splicing (PMID: 17576681, 9536098). Algorithms developed to predict the effect of sequence changes on RNA splicing suggest that this variant is not likely to affect RNA splicing. In summary, the available evidence is currently insufficient to determine the role of this variant in disease. Therefore, it has been classified as a Variant of Uncertain Significance.

Literature cited by the submitters: PubMed 17576681; PubMed 9536098.

NM_152443.3(RDH12):c.659-3C>T

Genes: RDH12 (retinol dehydrogenase 12; plus strand), ZFYVE26 (zinc finger FYVE-type containing 26; minus strand), GPHN (gephyrin; plus strand). Cytogenetic location: 14q24.1.
Variant type: single nucleotide variant.
Coding change: c.659-3C>T on transcript NM_152443.3 (MANE Select); 3 bases into the intron before coding-DNA position 659, C replaced by T.
Molecular consequence: intron variant.
Genome position (GRCh38, 1-based): chr14:67,729,188, C>T. VCF-style: chr14-67729188-C-T. GRCh37 (hg19) VCF-style: chr14-68195905-C-T.
Identifiers: ClinVar variation 2157633 (VCV002157633.4), dbSNP rs2503831327, ClinGen allele CA2580088633.